The following is an entry in ClinVar:

NM_001378452.1(ITPR1):c.5441A>G (p.Asn1814Ser)

Gene: ITPR1 (inositol 1,4,5-trisphosphate receptor type 1; plus strand). Cytogenetic location: 3p26.1.
Variant type: single nucleotide variant.
Coding change: c.5441A>G on transcript NM_001378452.1 (MANE Select); coding-DNA position 5441, A replaced by G.
Protein change: p.Asn1814Ser; replaces asparagine 1814 with serine.
Molecular consequence: missense variant.
Genome position (GRCh38, 1-based): chr3:4,735,251, A>G. VCF-style: chr3-4735251-A-G. GRCh37 (hg19) VCF-style: chr3-4776935-A-G.
Other names: c.5396A>G (NM_001168272.1); c.5297A>G, p.Asn1766Ser (NM_001099952.4); c.5396A>G, p.Asn1799Ser (NM_001168272.2); c.5252A>G, p.Asn1751Ser (NM_002222.7); short protein forms N1751S, N1799S, N1766S, N1814S.
Identifiers: ClinVar variation 734532 (VCV000734532.12), dbSNP rs200927261, ClinGen allele CA2232339.

ClinVar aggregate classification (germline): Conflicting classifications of pathogenicity. Review status: criteria provided, conflicting classifications (1 of 4 stars). 3 submissions from 3 submitters: Uncertain significance (1); Benign (1); Likely benign (1). Last evaluated 2025-12-21.

Allele frequency attached by ClinVar (database versions not stated): gnomAD exomes 0.00024 and 0.00010; ExAC 0.00030; gnomAD 0.00005; ESP Exome Variant Server 0.00008; TOPMed 0.00012.
gnomAD v4.1: 142 of 1,613,808 alleles (0.0088%); highest among the groups gnomAD compares: Admixed American, 0.1%; no homozygotes.

Submissions (3):

Labcorp Genetics (formerly Invitae), Labcorp
Classification: Likely benign. Last evaluated: 2025-12-21. Review status: criteria provided, single submitter. Criteria: Invitae Variant Classification Sherloc (09022015). Collection method: clinical testing. Allele origin: germline.

GeneDx
Classification: Uncertain significance. Last evaluated: 2024-04-09. Review status: criteria provided, single submitter. Criteria: GeneDx Variant Classification Process June 2021. Collection method: clinical testing. Allele origin: germline. Affected: yes.
Comment: In silico analysis supports that this missense variant does not alter protein structure/function; Has not been previously published as pathogenic or benign to our knowledge

Athena Diagnostics
Classification: Benign. Last evaluated: 2023-12-20. Review status: criteria provided, single submitter. Criteria: Athena Diagnostics Criteria. Collection method: clinical testing. Allele origin: unknown.